The following is an entry in ClinVar:

NM_000038.6(APC):c.7871A>G (p.Asn2624Ser)

Gene: APC (APC regulator of Wnt signaling pathway; plus strand). Cytogenetic location: 5q22.2.
Variant type: single nucleotide variant.
Coding change: c.7871A>G on transcript NM_000038.6 (MANE Select); coding-DNA position 7871, A replaced by G.
Protein change: p.Asn2624Ser; replaces asparagine 2624 with serine.
Molecular consequence: missense variant. On other transcripts: non-coding transcript variant (2).
Genome position (GRCh38, 1-based): chr5:112,843,465, A>G. VCF-style: chr5-112843465-A-G. GRCh37 (hg19) VCF-style: chr5-112179162-A-G.
Other names: c.7871A>G, p.Asn2624Ser (NM_001127510.3, NM_001354895.2, NM_001407450.1); c.7817A>G, p.Asn2606Ser (NM_001127511.3); c.7925A>G, p.Asn2642Ser (NM_001354896.2, NM_001407447.1, NM_001407448.1 and 1 more transcripts); c.7901A>G, p.Asn2634Ser (NM_001354897.2); c.7796A>G, p.Asn2599Ser (NM_001354898.2); c.7787A>G, p.Asn2596Ser (NM_001354899.2); c.7748A>G, p.Asn2583Ser (NM_001354900.2); c.7694A>G, p.Asn2565Ser (NM_001354901.2, NM_001407453.1); and 12 more; short protein forms N2495S, N2498S, N2565S, N2583S, N2634S, N2523S, N2541S, N2599S.
Identifiers: ClinVar variation 3682920 (VCV003682920.3).

ClinVar aggregate classification (germline): Conflicting classifications of pathogenicity. Review status: criteria provided, conflicting classifications (1 of 4 stars). 2 submissions from 2 submitters: Uncertain significance (1); Likely benign (1). Last evaluated 2025-07-12.

Conditions:
Hereditary cancer-predisposing syndrome. Also called: Tumor predisposition; Neoplastic Syndromes, Hereditary; Hereditary Cancer Syndrome; Hereditary neoplastic syndrome. Identifiers: Orphanet 140162, MedGen C0027672, MeSH D009386, MONDO:0015356.
Familial adenomatous polyposis 1 (FAP1). Also called: POLYPOSIS, ADENOMATOUS INTESTINAL; FAMILIAL ADENOMATOUS POLYPOSIS 1, ATTENUATED. Identifiers: MedGen C2713442, MONDO:0021056, OMIM 175100. Disease mechanism: loss of function.

gnomAD v4.1: 2 of 1,613,976 alleles (0.00012%); highest among the groups gnomAD compares: South Asian, 0.0022%; no homozygotes.

Submissions (2):

Ambry Genetics
Classification: Likely benign for Hereditary cancer-predisposing syndrome. Last evaluated: 2025-07-12. Review status: criteria provided, single submitter. Criteria: Ambry Variant Classification Scheme 2023. Collection method: clinical testing. Allele origin: germline.

Labcorp Genetics (formerly Invitae), Labcorp
Classification: Uncertain significance for Familial adenomatous polyposis 1. Last evaluated: 2024-03-10. Review status: criteria provided, single submitter. Criteria: Invitae Variant Classification Sherloc (09022015). Collection method: clinical testing. Allele origin: germline.
Comment: This sequence change replaces asparagine, which is neutral and polar, with serine, which is neutral and polar, at codon 2624 of the APC protein (p.Asn2624Ser). This variant is present in population databases (rs762386015, gnomAD 0.007%). This variant has not been reported in the literature in individuals affected with APC-related conditions. Advanced modeling of protein sequence and biophysical properties (such as structural, functional, and spatial information, amino acid conservation, physicochemical variation, residue mobility, and thermodynamic stability) performed at Invitae indicates that this missense variant is not expected to disrupt APC protein function with a negative predictive value of 95%. In summary, the available evidence is currently insufficient to determine the role of this variant in disease. Therefore, it has been classified as a Variant of Uncertain Significance.